The following is an entry in ClinVar:

ClinVar aggregate classification (germline): Uncertain significance (1 of 4 stars; one submission).

Allele frequency attached by ClinVar (database versions not stated): gnomAD exomes below 0.00001.
gnomAD v4.1: 1 of 1,613,978 alleles (0.000062%); highest among the groups gnomAD compares: Admixed American, 0.0017%; no homozygotes.

Submission:

Labcorp Genetics (formerly Invitae), Labcorp
Classification: Uncertain significance. Last evaluated: 2022-03-04. Review status: criteria provided, single submitter. Criteria: Invitae Variant Classification Sherloc (09022015). Collection method: clinical testing. Allele origin: germline.
Comment: This variant has not been reported in the literature in individuals affected with ADGRV1-related conditions. This variant is not present in population databases (gnomAD no frequency). Algorithms developed to predict the effect of missense changes on protein structure and function (SIFT, PolyPhen-2, Align-GVGD) all suggest that this variant is likely to be tolerated. In summary, the available evidence is currently insufficient to determine the role of this variant in disease. Therefore, it has been classified as a Variant of Uncertain Significance. This sequence change replaces glutamic acid, which is acidic and polar, with glycine, which is neutral and non-polar, at codon 5139 of the ADGRV1 protein (p.Glu5139Gly).

NM_032119.4(ADGRV1):c.15416A>G (p.Glu5139Gly)

Gene: ADGRV1 (adhesion G protein-coupled receptor V1; plus strand). Cytogenetic location: 5q14.3.
Variant type: single nucleotide variant.
Coding change: c.15416A>G on transcript NM_032119.4 (MANE Select); coding-DNA position 15416, A replaced by G.
Protein change: p.Glu5139Gly; replaces glutamic acid 5139 with glycine.
Molecular consequence: missense variant. On other transcripts: non-coding transcript variant (1).
Genome position (GRCh38, 1-based): chr5:90,810,676, A>G. VCF-style: chr5-90810676-A-G. GRCh37 (hg19) VCF-style: chr5-90106493-A-G.
Other names: short protein forms E5139G.
Identifiers: ClinVar variation 2106881 (VCV002106881.4), dbSNP rs2532186700, ClinGen allele CA360409319.
Genomic context (GRCh38, chr5:90,810,676, plus strand): 5'-TTGCAGTGATTACAATATTGGATAATGATGACCTGGCAGGAATGGATATTTCCTTCCCCG[A>G]GACAACTGTGGCTGTAGCAGTTGACACAACTCTCATTCCTGTAGAAACTGAATCCACCAC-3'
Protein context (NP_115495.3, residues 5129-5149): DLAGMDISFP[Glu5139Gly]TTVAVAVDTT